The following is an entry in ClinVar:

ClinVar aggregate classification (germline): Uncertain significance (1 of 4 stars; one submission).

Conditions:
Pseudohypoaldosteronism type 2C (PHA2C). Also called: Pseudohypoaldosteronism Type IIC. Identifiers: Orphanet 757, Orphanet 88940, MedGen C1840391, MONDO:0013778, OMIM 614492.
Neuropathy, hereditary sensory and autonomic, type 2A (HSAN2A). Also called: ACROOSTEOLYSIS, GIACCAI TYPE; ACROOSTEOLYSIS, NEUROGENIC; MORVAN DISEASE; NEUROPATHY, CONGENITAL SENSORY; NEUROPATHY, HEREDITARY SENSORY RADICULAR, AUTOSOMAL RECESSIVE; NEUROPATHY, HEREDITARY SENSORY, TYPE IIA. Identifiers: Orphanet 970, MedGen C2752089, MONDO:0024309, OMIM 201300.

Allele frequency attached by ClinVar (database versions not stated): gnomAD exomes below 0.00001; TOPMed 0.00001.
gnomAD v4.1: 2 of 1,614,042 alleles (0.00012%); highest among the groups gnomAD compares: Non-Finnish European, 0.00017%; no homozygotes.

Submission:

Labcorp Genetics (formerly Invitae), Labcorp
Classification: Uncertain significance for Neuropathy, hereditary sensory and autonomic, type 2A; Pseudohypoaldosteronism type 2C. Last evaluated: 2022-01-15. Review status: criteria provided, single submitter. Criteria: Invitae Variant Classification Sherloc (09022015). Collection method: clinical testing. Allele origin: germline.
Comment: This sequence change replaces histidine, which is basic and polar, with glutamine, which is neutral and polar, at codon 857 of the WNK1 protein (p.His857Gln). This variant is not present in population databases (gnomAD no frequency). This variant has not been reported in the literature in individuals affected with WNK1-related conditions. ClinVar contains an entry for this variant (Variation ID: 849312). Advanced modeling of protein sequence and biophysical properties (such as structural, functional, and spatial information, amino acid conservation, physicochemical variation, residue mobility, and thermodynamic stability) performed at Invitae indicates that this missense variant is not expected to disrupt WNK1 protein function. In summary, the available evidence is currently insufficient to determine the role of this variant in disease. Therefore, it has been classified as a Variant of Uncertain Significance.

NM_213655.5(WNK1):c.2571C>G (p.His857Gln)

Gene: WNK1 (WNK lysine deficient protein kinase 1; plus strand). Cytogenetic location: 12p13.33.
Variant type: single nucleotide variant.
Coding change: c.2571C>G on transcript NM_213655.5 (MANE Plus Clinical); coding-DNA position 2571, C replaced by G.
Protein change: p.His857Gln; replaces histidine 857 with glutamine.
Molecular consequence: missense variant. On other transcripts: intron variant (2).
Genome position (GRCh38, 1-based): chr12:868,042, C>G. VCF-style: chr12-868042-C-G. GRCh37 (hg19) VCF-style: chr12-977208-C-G.
Other names: c.2316C>G, p.His772Gln (NM_001184985.2); c.2140-3223C>G (NM_018979.4, NM_014823.3); short protein forms H772Q, H857Q.
Identifiers: ClinVar variation 849312 (VCV000849312.9), dbSNP rs541998892, ClinGen allele CA231498591.